The following is an entry in ClinVar:

ClinVar aggregate classification (germline): Pathogenic. Review status: criteria provided, multiple submitters, no conflicts (2 of 4 stars). 2 submissions from 2 submitters: Pathogenic (2). Last evaluated 2020-11-11.

Conditions:
Hereditary cancer-predisposing syndrome. Also called: Tumor predisposition; Neoplastic Syndromes, Hereditary; Hereditary Cancer Syndrome; Hereditary neoplastic syndrome. Identifiers: Orphanet 140162, MedGen C0027672, MeSH D009386, MONDO:0015356.
Fanconi anemia complementation group O. Also called: RAD51C-Related Fanconi Anemia. Identifiers: Orphanet 84, MedGen C3150653, MONDO:0013248, OMIM 613390.

Submissions (2):

Labcorp Genetics (formerly Invitae), Labcorp
Classification: Pathogenic for Fanconi anemia complementation group O. Last evaluated: 2020-11-11. Review status: criteria provided, single submitter. Criteria: Invitae Variant Classification Sherloc (09022015). Collection method: clinical testing. Allele origin: germline.
Comment: For these reasons, this variant has been classified as Pathogenic. This sequence change creates a premature translational stop signal (p.Gln268*) in the RAD51C gene. It is expected to result in an absent or disrupted protein product. Loss-of-function variants in RAD51C are known to be pathogenic (PMID: 20400964, 21990120, 24800917). This variant is not present in population databases (ExAC no frequency). This variant has not been reported in the literature in individuals with RAD51C-related conditions. ClinVar contains an entry for this variant (Variation ID: 629167). Algorithms developed to predict the effect of sequence changes on RNA splicing suggest that this variant may create or strengthen a splice site, but this prediction has not been confirmed by published transcriptional studies.

Color Diagnostics, LLC DBA Color Health
Classification: Pathogenic for Hereditary cancer-predisposing syndrome. Last evaluated: 2020-01-15. Review status: criteria provided, single submitter. Criteria: ACMG Guidelines, 2015. Collection method: clinical testing. Allele origin: germline.
Comment: This variant changes 1 nucleotide in exon 5 of the RAD51C gene, creating a premature translation stop signal. This variant is expected to result in an absent or non-functional protein product. This variant has not been identified in the general population by the Genome Aggregation Database (gnomAD). Loss of RAD51C function is a known mechanism of disease. Based on the available evidence, this variant is classified as Pathogenic.

Literature cited by the submitters: PubMed 20400964 (cited by Labcorp Genetics (formerly Invitae), Labcorp); PubMed 21990120 (cited by Labcorp Genetics (formerly Invitae), Labcorp); PubMed 24800917 (cited by Labcorp Genetics (formerly Invitae), Labcorp).

NM_058216.3(RAD51C):c.802C>T (p.Gln268Ter)

Gene: RAD51C (RAD51 paralog C; plus strand). Cytogenetic location: 17q22.
Variant type: single nucleotide variant.
Coding change: c.802C>T on transcript NM_058216.3 (MANE Select); coding-DNA position 802, C replaced by T.
Protein change: p.Gln268Ter; replaces glutamine 268 with a stop codon.
Molecular consequence: nonsense. On other transcripts: non-coding transcript variant (1).
Genome position (GRCh38, 1-based): chr17:58,709,955, C>T. VCF-style: chr17-58709955-C-T. GRCh37 (hg19) VCF-style: chr17-56787316-C-T.
Other names: short protein forms Q268*.
Identifiers: ClinVar variation 629167 (VCV000629167.11), dbSNP rs1567799818, ClinGen allele CA400354153.